The following is an entry in ClinVar:

NM_001060.6(TBXA2R):c.1010C>A (p.Thr337Lys)

Gene: TBXA2R (thromboxane A2 receptor; minus strand). Cytogenetic location: 19p13.3.
Variant type: single nucleotide variant.
Coding change: c.1010C>A on transcript NM_001060.6 (MANE Select); coding-DNA position 1010, C replaced by A.
Protein change: p.Thr337Lys; replaces threonine 337 with lysine.
Molecular consequence: missense variant. On other transcripts: intron variant (1).
Genome position (GRCh38, 1-based): chr19:3,595,710, G>T on the plus strand (C>A on the coding strand, the complement: TBXA2R is on the minus strand). VCF-style: chr19-3595710-G-T. GRCh37 (hg19) VCF-style: chr19-3595708-G-T.
Other names: c.983+27C>A (NM_201636.3); short protein forms T337K.
Identifiers: ClinVar variation 2504693 (VCV002504693.3), dbSNP rs199982258, ClinGen allele CA403329836.
Genomic context (GRCh38, chr19:3,595,710, plus strand): 5'-TCCGCGGAAAGGCGCGGGAGGGGCGCTCTGTCCACTTCCTACTGCAGCCCGGAGCGCTGC[G>T]TGAGCTGGGGCTGGAGGGACAGCGACCTGGGCCGGGTGCTGAGGCGAGGCTGGAGACGCC-3'
Protein context (NP_001051.1, residues 327-343): PRSLSLQPQL[Thr337Lys]QRSGLQ

ClinVar aggregate classification (germline): Uncertain significance. Review status: criteria provided, multiple submitters, no conflicts (2 of 4 stars). 2 submissions from 2 submitters: Uncertain significance (2). Last evaluated 2024-11-19.

Submissions (2):

Labcorp Genetics (formerly Invitae), Labcorp
Classification: Uncertain significance. Last evaluated: 2024-11-19. Review status: criteria provided, single submitter. Criteria: Invitae Variant Classification Sherloc (09022015). Collection method: clinical testing. Allele origin: germline.
Comment: This sequence change replaces threonine, which is neutral and polar, with lysine, which is basic and polar, at codon 337 of the TBXA2R protein (p.Thr337Lys). This variant is not present in population databases (gnomAD no frequency). This variant has not been reported in the literature in individuals affected with TBXA2R-related conditions. ClinVar contains an entry for this variant (Variation ID: 2504693). An algorithm developed to predict the effect of missense changes on protein structure and function (PolyPhen-2) suggests that this variant is likely to be tolerated. In summary, the available evidence is currently insufficient to determine the role of this variant in disease. Therefore, it has been classified as a Variant of Uncertain Significance.

GeneDx
Classification: Uncertain significance. Last evaluated: 2022-12-12. Review status: criteria provided, single submitter. Criteria: GeneDx Variant Classification Process June 2021. Collection method: clinical testing. Allele origin: germline. Affected: yes.
Comment: Not observed at significant frequency in large population cohorts (gnomAD); In silico analysis supports that this missense variant does not alter protein structure/function; Has not been previously published as pathogenic or benign to our knowledge